The following is an entry in ClinVar:

NM_000255.4(MMUT):c.1084-2A>G

Gene: MMUT (methylmalonyl-CoA mutase; minus strand). Cytogenetic location: 6p12.3.
Variant type: single nucleotide variant.
Coding change: c.1084-2A>G on transcript NM_000255.4 (MANE Select); the canonical splice acceptor site of the intron before coding-DNA position 1084, A replaced by G.
Molecular consequence: splice acceptor variant.
Genome position (GRCh38, 1-based): chr6:49,451,716, T>C on the plus strand (A>G on the coding strand, the complement: MMUT is on the minus strand). VCF-style: chr6-49451716-T-C. GRCh37 (hg19) VCF-style: chr6-49419429-T-C.
Identifiers: ClinVar variation 222928 (VCV000222928.9), dbSNP rs879253839, ClinGen allele CA10575871.

ClinVar aggregate classification (germline): Pathogenic/Likely pathogenic. Review status: criteria provided, multiple submitters, no conflicts (2 of 4 stars). 4 submissions from 4 submitters: Pathogenic (2); Likely pathogenic (1). 1 of the submissions does not count toward it. Last evaluated 2024-01-13.

Conditions:
Methylmalonic aciduria due to methylmalonyl-CoA mutase deficiency (MAMM). Also called: Methylmalonic aciduria, mut type. Identifiers: Orphanet 27, MedGen C1855114, MONDO:0009612, OMIM 251000.

Allele frequency attached by ClinVar (database versions not stated): gnomAD exomes below 0.00001; gnomAD 0.00001; TOPMed 0.00001.
gnomAD v4.1: 3 of 1,613,456 alleles (0.00019%); highest among the groups gnomAD compares: Non-Finnish European, 0.000085%; no homozygotes.

Submissions (4):

Labcorp Genetics (formerly Invitae), Labcorp
Classification: Pathogenic. Last evaluated: 2024-01-13. Review status: criteria provided, single submitter. Criteria: Invitae Variant Classification Sherloc (09022015). Collection method: clinical testing. Allele origin: germline.
Comment: This sequence change affects an acceptor splice site in intron 5 of the MUT gene. It is expected to disrupt RNA splicing. Variants that disrupt the donor or acceptor splice site typically lead to a loss of protein function (PMID: 16199547), and loss-of-function variants in MUT are known to be pathogenic (PMID: 15781192). This variant is not present in population databases (gnomAD no frequency). Disruption of this splice site has been observed in individual(s) with methylmalonic aciduria (PMID: 27167370). ClinVar contains an entry for this variant (Variation ID: 222928). Algorithms developed to predict the effect of sequence changes on RNA splicing suggest that this variant may disrupt the consensus splice site. For these reasons, this variant has been classified as Pathogenic.

Fulgent Genetics
Classification: Likely pathogenic for Methylmalonic aciduria due to methylmalonyl-CoA mutase deficiency. Last evaluated: 2021-07-20. Review status: criteria provided, single submitter. Criteria: ACMG Guidelines, 2015. Collection method: clinical testing. Allele origin: unknown.

University Children's Hospital, University of Zurich
Classification: Pathogenic for Methylmalonic aciduria due to methylmalonyl-CoA mutase deficiency. Review status: criteria provided, single submitter. Criteria: Forny et al. (Hum Mutat. 2016). Collection method: clinical testing. Allele origin: germline. Inheritance: Autosomal recessive inheritance. Affected: yes.

Counsyl
Classification: Likely pathogenic for Methylmalonic aciduria due to methylmalonyl-CoA mutase deficiency. Last evaluated: 2017-09-24. Review status: no assertion criteria provided. Collection method: clinical testing. Allele origin: unknown. Not counted in ClinVar's aggregate classification.

Literature cited by the submitters: PubMed 16199547 (cited by Labcorp Genetics (formerly Invitae), Labcorp); PubMed 15781192 (cited by Labcorp Genetics (formerly Invitae), Labcorp); PubMed 27167370 (cited by Labcorp Genetics (formerly Invitae), Labcorp and Counsyl); PubMed 25736335 (cited by University Children's Hospital, University of Zurich).